The following is an entry in ClinVar:

NM_000426.4(LAMA2):c.8717T>C (p.Ile2906Thr)

Gene: LAMA2 (laminin subunit alpha 2; plus strand). Cytogenetic location: 6q22.33.
Variant type: single nucleotide variant.
Coding change: c.8717T>C on transcript NM_000426.4 (MANE Select); coding-DNA position 8717, T replaced by C.
Protein change: p.Ile2906Thr; replaces isoleucine 2906 with threonine.
Molecular consequence: missense variant.
Genome position (GRCh38, 1-based): chr6:129,507,502, T>C. VCF-style: chr6-129507502-T-C. GRCh37 (hg19) VCF-style: chr6-129828647-T-C.
Other names: c.8705T>C, p.Ile2902Thr (NM_001079823.2); short protein forms I2906T, I2902T.
Identifiers: ClinVar variation 3635327 (VCV003635327.2).

ClinVar aggregate classification (germline): Uncertain significance (1 of 4 stars; one submission).

Conditions:
LAMA2-related muscular dystrophy (LAMA2-RD). Also called: Laminin alpha 2-related dystrophy. Identifiers: MedGen C5679788, MONDO:0100228.

gnomAD v4.1: 1 of 1,614,188 alleles (0.000062%); highest among the groups gnomAD compares: South Asian, 0.0011%; no homozygotes.

Submission:

Labcorp Genetics (formerly Invitae), Labcorp
Classification: Uncertain significance for LAMA2-related muscular dystrophy. Last evaluated: 2024-09-22. Review status: criteria provided, single submitter. Criteria: Invitae Variant Classification Sherloc (09022015). Collection method: clinical testing. Allele origin: germline.
Comment: This sequence change replaces isoleucine, which is neutral and non-polar, with threonine, which is neutral and polar, at codon 2906 of the LAMA2 protein (p.Ile2906Thr). This variant is present in population databases (rs769052659, gnomAD 0.003%). This variant has not been reported in the literature in individuals affected with LAMA2-related conditions. Invitae Evidence Modeling of protein sequence and biophysical properties (such as structural, functional, and spatial information, amino acid conservation, physicochemical variation, residue mobility, and thermodynamic stability) indicates that this missense variant is not expected to disrupt LAMA2 protein function with a negative predictive value of 95%. In summary, the available evidence is currently insufficient to determine the role of this variant in disease. Therefore, it has been classified as a Variant of Uncertain Significance.